The following is an entry in ClinVar:

NM_182746.3(MCM4):c.541G>A (p.Glu181Lys)

Gene: MCM4 (minichromosome maintenance complex component 4; plus strand). Cytogenetic location: 8q11.21.
Variant type: single nucleotide variant.
Coding change: c.541G>A on transcript NM_182746.3 (MANE Select); coding-DNA position 541, G replaced by A.
Protein change: p.Glu181Lys; replaces glutamic acid 181 with lysine.
Molecular consequence: missense variant.
Genome position (GRCh38, 1-based): chr8:47,962,803, G>A. VCF-style: chr8-47962803-G-A. GRCh37 (hg19) VCF-style: chr8-48875363-G-A.
Other names: c.541G>A, p.Glu181Lys (NM_005914.4); short protein forms E181K.
Identifiers: ClinVar variation 1303076 (VCV001303076.6), dbSNP rs140307429, ClinGen allele CA4742336.

ClinVar aggregate classification (germline): Uncertain significance. Review status: criteria provided, multiple submitters, no conflicts (2 of 4 stars). 2 submissions from 2 submitters: Uncertain significance (2). Last evaluated 2022-07-19.

Allele frequency attached by ClinVar (database versions not stated): ExAC 0.00007; ESP Exome Variant Server 0.00008; gnomAD 0.00008 and 0.00009; gnomAD exomes 0.00010 and 0.00011; TOPMed 0.00011.
gnomAD v4.1: 167 of 1,609,592 alleles (0.01%); highest among the groups gnomAD compares: South Asian, 0.013%; no homozygotes.

Submissions (2):

Labcorp Genetics (formerly Invitae), Labcorp
Classification: Uncertain significance. Last evaluated: 2022-07-19. Review status: criteria provided, single submitter. Criteria: Invitae Variant Classification Sherloc (09022015). Collection method: clinical testing. Allele origin: germline.
Comment: This sequence change replaces glutamic acid, which is acidic and polar, with lysine, which is basic and polar, at codon 181 of the MCM4 protein (p.Glu181Lys). This variant is present in population databases (rs140307429, gnomAD 0.02%). This variant has not been reported in the literature in individuals affected with MCM4-related conditions. ClinVar contains an entry for this variant (Variation ID: 1303076). Algorithms developed to predict the effect of missense changes on protein structure and function are either unavailable or do not agree on the potential impact of this missense change (SIFT: "Deleterious"; PolyPhen-2: "Benign"; Align-GVGD: "Class C15"). In summary, the available evidence is currently insufficient to determine the role of this variant in disease. Therefore, it has been classified as a Variant of Uncertain Significance.

GeneDx
Classification: Uncertain significance. Last evaluated: 2021-03-02. Review status: criteria provided, single submitter. Criteria: GeneDx Variant Classification Process June 2021. Collection method: clinical testing. Allele origin: germline. Affected: yes.
Comment: In silico analysis, which includes protein predictors and evolutionary conservation, supports that this variant does not alter protein structure/function; Has not been previously published as pathogenic or benign to our knowledge